The following is an entry in ClinVar:

ClinVar aggregate classification (germline): Uncertain significance (1 of 4 stars; one submission).

Allele frequency attached by ClinVar (database versions not stated): gnomAD exomes 0.00001; ExAC 0.00005; gnomAD 0.00009; TOPMed 0.00009; ESP Exome Variant Server 0.00031.
gnomAD v4.1: 24 of 1,613,930 alleles (0.0015%); highest among the groups gnomAD compares: African/African-American, 0.025%; no homozygotes.

Submission:

Labcorp Genetics (formerly Invitae), Labcorp
Classification: Uncertain significance. Last evaluated: 2024-12-18. Review status: criteria provided, single submitter. Criteria: Invitae Variant Classification Sherloc (09022015). Collection method: clinical testing. Allele origin: germline.
Comment: This sequence change replaces serine, which is neutral and polar, with asparagine, which is neutral and polar, at codon 200 of the ARPC1B protein (p.Ser200Asn). This variant is present in population databases (rs138962515, gnomAD 0.04%). This variant has not been reported in the literature in individuals affected with ARPC1B-related conditions. ClinVar contains an entry for this variant (Variation ID: 2049225). Invitae Evidence Modeling of protein sequence and biophysical properties (such as structural, functional, and spatial information, amino acid conservation, physicochemical variation, residue mobility, and thermodynamic stability) indicates that this missense variant is not expected to disrupt ARPC1B protein function with a negative predictive value of 80%. In summary, the available evidence is currently insufficient to determine the role of this variant in disease. Therefore, it has been classified as a Variant of Uncertain Significance.

NM_005720.4(ARPC1B):c.599G>A (p.Ser200Asn)

Gene: ARPC1B (actin related protein 2/3 complex subunit 1B; plus strand). Cytogenetic location: 7q22.1.
Variant type: single nucleotide variant.
Coding change: c.599G>A on transcript NM_005720.4 (MANE Select); coding-DNA position 599, G replaced by A.
Protein change: p.Ser200Asn; replaces serine 200 with asparagine.
Molecular consequence: missense variant.
Genome position (GRCh38, 1-based): chr7:99,390,991, G>A. VCF-style: chr7-99390991-G-A. GRCh37 (hg19) VCF-style: chr7-98988614-G-A.
Other names: short protein forms S200N.
Identifiers: ClinVar variation 2049225 (VCV002049225.3), dbSNP rs138962515, ClinGen allele CA4364066.
Genomic context (GRCh38, chr7:99,390,991, plus strand): 5'-CGGCACCCACCCCGTGGGGCTCCAAGATGCCCTTTGGGGAACTGATGTTCGAATCCAGCA[G>A]TAGCTGCGGCTGGGTACATGGCGTCTGTTTCTCAGCCAGCGGGAGCCGCGTGGCCTGGGT-3'
Protein context (NP_005711.1, residues 190-210): PFGELMFESS[Ser200Asn]SCGWVHGVCF